The following is an entry in ClinVar:

ClinVar aggregate classification (germline): Benign. Review status: criteria provided, multiple submitters, no conflicts (2 of 4 stars). 4 submissions from 4 submitters: Benign (3). 1 of the submissions does not count toward it. Last evaluated 2026-01-25.

Conditions:
PLXNA1-related disorder. Also called: PLXNA1-related condition.

Allele frequency attached by ClinVar (database versions not stated): gnomAD exomes 0.00996; ExAC 0.01280; gnomAD 0.03718 and 0.03995; 1000 Genomes Project 0.04034; ESP Exome Variant Server 0.04163; TOPMed 0.04170; 1000 Genomes Project 30x 0.04372.
gnomAD v4.1: 11,351 of 1,602,778 alleles (0.71%); highest among the groups gnomAD compares: African/African-American, 13%; 636 homozygotes.

Submissions (4):

Labcorp Genetics (formerly Invitae), Labcorp
Classification: Benign. Last evaluated: 2026-01-25. Review status: criteria provided, single submitter. Criteria: Invitae Variant Classification Sherloc (09022015). Collection method: clinical testing. Allele origin: germline.

GeneDx
Classification: Benign. Last evaluated: 2019-03-11. Review status: criteria provided, single submitter. Criteria: GeneDx Variant Classification Process June 2021. Collection method: clinical testing. Allele origin: germline. Affected: yes.

Breakthrough Genomics
Classification: Benign. Review status: criteria provided, single submitter. Criteria: ACMG Guidelines, 2015. Collection method: not provided. Allele origin: germline. Inheritance: Autosomal recessive inheritance. Affected: yes.

PreventionGenetics, part of Exact Sciences
Classification: Benign for PLXNA1-related condition. Last evaluated: 2019-06-03. Review status: no assertion criteria provided. Collection method: clinical testing. Allele origin: germline. Not counted in ClinVar's aggregate classification.
Comment: This variant is classified as benign based on ACMG/AMP sequence variant interpretation guidelines (Richards et al. 2015 PMID: 25741868, with internal and published modifications).

NM_032242.4(PLXNA1):c.2613C>T (p.Pro871=)

Gene: PLXNA1 (plexin A1; plus strand). Cytogenetic location: 3q21.3.
Variant type: single nucleotide variant.
Coding change: c.2613C>T on transcript NM_032242.4 (MANE Select); coding-DNA position 2613, C replaced by T.
Protein change: p.Pro871=; no amino-acid change (proline 871 retained).
Molecular consequence: synonymous variant.
Genome position (GRCh38, 1-based): chr3:127,014,486, C>T. VCF-style: chr3-127014486-C-T. GRCh37 (hg19) VCF-style: chr3-126733329-C-T.
Identifiers: ClinVar variation 1180948 (VCV001180948.13), dbSNP rs80308004, ClinGen allele CA2593705.